The following is an entry in ClinVar:

NM_004371.4(COPA):c.3599T>C (p.Ile1200Thr)

Gene: COPA (COPI coat complex subunit alpha; minus strand). Cytogenetic location: 1q23.2.
Variant type: single nucleotide variant.
Coding change: c.3599T>C on transcript NM_004371.4 (MANE Select); coding-DNA position 3599, T replaced by C.
Protein change: p.Ile1200Thr; replaces isoleucine 1200 with threonine.
Molecular consequence: missense variant.
Genome position (GRCh38, 1-based): chr1:160,290,508, A>G on the plus strand (T>C on the coding strand, the complement: COPA is on the minus strand). VCF-style: chr1-160290508-A-G. GRCh37 (hg19) VCF-style: chr1-160260298-A-G.
Other names: c.3626T>C, p.Ile1209Thr (NM_001098398.2); short protein forms I1200T, I1209T.
Identifiers: ClinVar variation 3364997 (VCV003364997.1).

ClinVar aggregate classification (germline): Uncertain significance (1 of 4 stars; one submission).

gnomAD v4.1: 8 of 1,614,148 alleles (0.0005%); highest among the groups gnomAD compares: Non-Finnish European, 0.00068%; no homozygotes.

Submission:

GeneDx
Classification: Uncertain significance. Last evaluated: 2023-12-06. Review status: criteria provided, single submitter. Criteria: GeneDx Variant Classification Process June 2021. Collection method: clinical testing. Allele origin: germline. Affected: yes.
Comment: Not observed at significant frequency in large population cohorts (gnomAD); In silico analysis supports that this missense variant has a deleterious effect on protein structure/function; Has not been previously published as pathogenic or benign to our knowledge